The following is an entry in ClinVar:

NM_000059.4(BRCA2):c.2752A>G (p.Asn918Asp)

Gene: BRCA2 (BRCA2 DNA repair associated; plus strand). Cytogenetic location: 13q13.1.
Variant type: single nucleotide variant.
Coding change: c.2752A>G on transcript NM_000059.4 (MANE Select); coding-DNA position 2752, A replaced by G.
Protein change: p.Asn918Asp; replaces asparagine 918 with aspartic acid.
Molecular consequence: missense variant.
Genome position (GRCh38, 1-based): chr13:32,337,107, A>G. VCF-style: chr13-32337107-A-G. GRCh37 (hg19) VCF-style: chr13-32911244-A-G.
Other names: short protein forms N918D.
Identifiers: ClinVar variation 4758357 (VCV004758357.1).
Genomic context (GRCh38, chr13:32,337,107, plus strand): 5'-AGGAATAATCTTGCTTTAGGAAATACTAAGGAACTTCATGAAACAGACTTGACTTGTGTA[A>G]ACGAACCCATTTTCAAGAACTCTACCATGGTTTTATATGGAGACACAGGTGATAAACAAG-3'
Protein context (NP_000050.3, residues 908-928): ELHETDLTCV[Asn918Asp]EPIFKNSTMV

ClinVar aggregate classification (germline): Uncertain significance (1 of 4 stars; one submission).

Conditions:
Hereditary cancer-predisposing syndrome. Also called: Tumor predisposition; Hereditary Cancer Syndrome; Neoplastic Syndromes, Hereditary; Hereditary neoplastic syndrome. Identifiers: Orphanet 140162, MedGen C0027672, MeSH D009386, MONDO:0015356.

Submission:

Color Diagnostics, LLC DBA Color Health
Classification: Uncertain significance for Hereditary cancer-predisposing syndrome. Last evaluated: 2025-07-02. Review status: criteria provided, single submitter. Criteria: ACMG Guidelines, 2015. Collection method: clinical testing. Allele origin: germline.
Comment: This missense variant replaces asparagine with aspartic acid at codon 918 of the BRCA2 protein. Computational prediction suggests that this variant may not impact protein structure and function. To our knowledge, functional studies have not been reported for this variant. This variant has not been reported in individuals affected with BRCA2-related disorders in the literature. This variant has not been identified in the general population by the Genome Aggregation Database (gnomAD). The available evidence is insufficient to determine the role of this variant in disease conclusively. Therefore, this variant is classified as a Variant of Uncertain Significance.